The following is an entry in ClinVar:

NC_000006.11:g.(?_10770324)_(10770483_?)del

Gene: MAK (male germ cell associated kinase; minus strand). Cytogenetic location: 6p24.2.
Variant type: Deletion.
Identifiers: ClinVar variation 2424008 (VCV002424008.4).

ClinVar aggregate classification (germline): Uncertain significance (1 of 4 stars; one submission).

Submission:

Labcorp Genetics (formerly Invitae), Labcorp
Classification: Uncertain significance. Last evaluated: 2022-04-12. Review status: criteria provided, single submitter. Criteria: Invitae Variant Classification Sherloc (09022015). Collection method: clinical testing. Allele origin: germline.
Comment: This variant is a gross deletion of the genomic region encompassing exon(s) 13 of the MAK gene. This variant would be expected to be in-frame, preserving the integrity of the reading frame. This variant has not been reported in the literature in individuals affected with MAK-related conditions. Experimental studies and prediction algorithms are not available or were not evaluated, and the functional significance of this variant is currently unknown. In summary, the available evidence is currently insufficient to determine the role of this variant in disease. Therefore, it has been classified as a Variant of Uncertain Significance.